The following is an entry in ClinVar:

ClinVar aggregate classification (germline): Conflicting classifications of pathogenicity. Review status: criteria provided, conflicting classifications (1 of 4 stars). 2 submissions from 2 submitters: Uncertain significance (1); Benign (1). Last evaluated 2023-10-14.

Conditions:
Inborn genetic diseases. Identifiers: MedGen C0950123, MeSH D030342.
Auriculocondylar syndrome 2 (ARCND2A). Also called: AURICULOCONDYLAR SYNDROME 2A. Identifiers: Orphanet 137888, MedGen C3553404, MONDO:0013845, OMIM 614669.

Allele frequency attached by ClinVar (database versions not stated): TOPMed 0.00006.
gnomAD v4.1: 52 of 1,611,970 alleles (0.0032%); highest among the groups gnomAD compares: East Asian, 0.063%; no homozygotes.

Submissions (2):

Ambry Genetics
Classification: Uncertain significance for Inborn genetic diseases. Last evaluated: 2023-10-14. Review status: criteria provided, single submitter. Criteria: Ambry Variant Classification Scheme 2023. Collection method: clinical testing. Allele origin: germline.

Illumina Laboratory Services, Illumina
Classification: Benign for Auriculocondylar syndrome 2. Last evaluated: 2018-01-12. Review status: criteria provided, single submitter. Criteria: ICSL Variant Classification Criteria 13 December 2019. Collection method: clinical testing. Allele origin: germline.
Comment: This variant was observed in the ICSL laboratory as part of a predisposition screen in an ostensibly healthy population. It had not been previously curated by ICSL or reported in the Human Gene Mutation Database (HGMD: prior to June 1st, 2018), and was therefore a candidate for classification through an automated scoring system. Utilizing variant allele frequency, disease prevalence and penetrance estimates, and inheritance mode, an automated score was calculated to assess if this variant is too frequent to cause the disease. Based on the score and internal cut-off values, a variant classified as benign is not then subjected to further curation. The score for this variant resulted in a classification of benign for this disease.

NM_001377142.1(PLCB4):c.3210C>G (p.His1070Gln)

Gene: PLCB4 (phospholipase C beta 4; plus strand). Cytogenetic location: 20p12.2.
Variant type: single nucleotide variant.
Coding change: c.3210C>G on transcript NM_001377142.1 (MANE Select); coding-DNA position 3210, C replaced by G.
Protein change: p.His1070Gln; replaces histidine 1070 with glutamine.
Molecular consequence: missense variant.
Genome position (GRCh38, 1-based): chr20:9,459,772, C>G. VCF-style: chr20-9459772-C-G. GRCh37 (hg19) VCF-style: chr20-9440419-C-G.
Other names: c.3174C>G, p.His1058Gln (NM_000933.4, NM_001377134.2, NM_001377135.1 and 2 more transcripts); c.3210C>G, p.His1070Gln (NM_001172646.2, NM_001377143.1); short protein forms H1058Q, H1070Q.
Identifiers: ClinVar variation 897772 (VCV000897772.5), dbSNP rs140050954, ClinGen allele CA9761616.